The following is an entry in ClinVar:

ClinVar aggregate classification (germline): Uncertain significance (1 of 4 stars; one submission).

Conditions:
Arrhythmogenic right ventricular dysplasia 12. Also called: ARRHYTHMOGENIC RIGHT VENTRICULAR DYSPLASIA, FAMILIAL, 12. Identifiers: MedGen C1969081, MONDO:0012684, OMIM 611528.
Naxos disease (NXD). Also called: PALMOPLANTAR KERATODERMA WITH ARRHYTHMOGENIC RIGHT VENTRICULAR CARDIOMYOPATHY AND WOOLLY HAIR; WOOLLY HAIR, PALMOPLANTAR KERATODERMA, AND CARDIAC ABNORMALITIES; CARDIOMYOPATHY, ARRHYTHMOGENIC RIGHT VENTRICULAR, WITH SKIN, HAIR, AND NAIL ABNORMALITIES; KERATOSIS PALMOPLANTARIS WITH ARRHYTHMOGENIC CARDIOMYOPATHY; MAL DE NAXOS. Identifiers: Orphanet 34217, MedGen C1832600, MONDO:0011017, OMIM 601214.

Allele frequency attached by ClinVar (database versions not stated): gnomAD exomes below 0.00001; TOPMed below 0.00001; gnomAD 0.00001.
gnomAD v4.1: 2 of 1,613,592 alleles (0.00012%); highest among the groups gnomAD compares: Non-Finnish European, 0.000085%; no homozygotes.

Submission:

Labcorp Genetics (formerly Invitae), Labcorp
Classification: Uncertain significance for Arrhythmogenic right ventricular dysplasia 12; Naxos disease. Last evaluated: 2021-12-02. Review status: criteria provided, single submitter. Criteria: Invitae Variant Classification Sherloc (09022015). Collection method: clinical testing. Allele origin: germline.
Comment: In summary, the available evidence is currently insufficient to determine the role of this variant in disease. Therefore, it has been classified as a Variant of Uncertain Significance. Algorithms developed to predict the effect of missense changes on protein structure and function are either unavailable or do not agree on the potential impact of this missense change (SIFT: "Tolerated"; PolyPhen-2: "Probably Damaging"; Align-GVGD: "Class C0"). This variant has not been reported in the literature in individuals affected with JUP-related conditions. This variant is not present in population databases (gnomAD no frequency). This sequence change replaces glutamic acid, which is acidic and polar, with glycine, which is neutral and non-polar, at codon 639 of the JUP protein (p.Glu639Gly).

NM_002230.4(JUP):c.1916A>G (p.Glu639Gly)

Gene: JUP (junction plakoglobin; minus strand). Cytogenetic location: 17q21.2.
Variant type: single nucleotide variant.
Coding change: c.1916A>G on transcript NM_002230.4 (MANE Select); coding-DNA position 1916, A replaced by G.
Protein change: p.Glu639Gly; replaces glutamic acid 639 with glycine.
Molecular consequence: missense variant.
Genome position (GRCh38, 1-based): chr17:41,757,642, T>C on the plus strand (A>G on the coding strand, the complement: JUP is on the minus strand). VCF-style: chr17-41757642-T-C. GRCh37 (hg19) VCF-style: chr17-39913894-T-C.
Other names: c.1916A>G, p.Glu639Gly (NM_001352773.2, NM_001352774.2, NM_001352775.2 and 3 more transcripts); short protein forms E639G.
Identifiers: ClinVar variation 1510123 (VCV001510123.6), dbSNP rs1914057795, ClinGen allele CA399492104.